The following is an entry in ClinVar:

NM_015443.4(KANSL1):c.1523C>A (p.Thr508Asn)

Gene: KANSL1 (KAT8 regulatory NSL complex subunit 1). Cytogenetic location: 17q21.31.
Variant type: single nucleotide variant.
Coding change: c.1523C>A on transcript NM_015443.4 (MANE Select); coding-DNA position 1523, C replaced by A.
Protein change: p.Thr508Asn; replaces threonine 508 with asparagine.
Molecular consequence: missense variant.
Genome position (GRCh38, 1-based): chr17:46,082,451, G>T on the plus strand (C>A on the coding strand, the complement: KANSL1 is on the minus strand). VCF-style: chr17-46082451-G-T. GRCh37 (hg19) VCF-style: chr17-44159817-G-T.
Other names: p.T508N:ACT>AAT; c.1523C>A, p.Thr508Asn (NM_001193465.2, NM_001193466.2, NM_001379198.1); short protein forms T508N.
Identifiers: ClinVar variation 205734 (VCV000205734.9), dbSNP rs375555532, ClinGen allele CA315095.

ClinVar aggregate classification (germline): Conflicting classifications of pathogenicity. Review status: criteria provided, conflicting classifications (1 of 4 stars). 2 submissions from 2 submitters: Uncertain significance (1); Likely benign (1). Last evaluated 2023-12-11.

Conditions:
Koolen-de Vries syndrome (KDVS). Identifiers: Orphanet 96169, MedGen C1864871, MONDO:0012496, OMIM 610443.

Allele frequency attached by ClinVar (database versions not stated): gnomAD exomes below 0.00001 and 0.00002; ExAC 0.00001; gnomAD 0.00001; TOPMed 0.00002; ESP Exome Variant Server 0.00008.
gnomAD v4.1: 5 of 1,604,626 alleles (0.00031%); highest among the groups gnomAD compares: African/African-American, 0.0067%; no homozygotes.

Submissions (2):

Labcorp Genetics (formerly Invitae), Labcorp
Classification: Uncertain significance for Koolen-de Vries syndrome. Last evaluated: 2023-12-11. Review status: criteria provided, single submitter. Criteria: Invitae Variant Classification Sherloc (09022015). Collection method: clinical testing. Allele origin: germline.
Comment: This sequence change replaces threonine, which is neutral and polar, with asparagine, which is neutral and polar, at codon 508 of the KANSL1 protein (p.Thr508Asn). This variant is present in population databases (rs375555532, gnomAD 0.02%). This variant has not been reported in the literature in individuals affected with KANSL1-related conditions. ClinVar contains an entry for this variant (Variation ID: 205734). Advanced modeling of protein sequence and biophysical properties (such as structural, functional, and spatial information, amino acid conservation, physicochemical variation, residue mobility, and thermodynamic stability) performed at Invitae indicates that this missense variant is not expected to disrupt KANSL1 protein function with a negative predictive value of 80%. In summary, the available evidence is currently insufficient to determine the role of this variant in disease. Therefore, it has been classified as a Variant of Uncertain Significance.

GeneDx
Classification: Likely benign. Last evaluated: 2014-10-20. Review status: criteria provided, single submitter. Criteria: GeneDx Variant Classification (06012015). Collection method: clinical testing. Allele origin: germline. Affected: yes.
Comment: This variant is considered likely benign or benign based on one or more of the following criteria: it is a conservative change, it occurs at a poorly conserved position in the protein, it is predicted to be benign by multiple in silico algorithms, and/or has population frequency not consistent with disease.